The following is an entry in ClinVar:

NM_000289.6(PFKM):c.1752_1760del (p.Gly585_Ala587del)

Gene: PFKM (phosphofructokinase, muscle; plus strand). Cytogenetic location: 12q13.11.
Variant type: Deletion.
Coding change: c.1752_1760del on transcript NM_000289.6 (MANE Select); coding-DNA positions 1752 to 1760, 9 bases deleted (TGGACTGGC; older notation c.1752_1760delTGGACTGGC).
Protein change: p.Gly585_Ala587del.
Molecular consequence: non-coding transcript variant (on NR_148954.2).
Genome position (GRCh38, 1-based): chr12:48,142,880-48,142,888, TGGACTGGC deleted; deleting any 9 consecutive bases within chr12:48,142,876-48,142,888 gives the same sequence; the c. name uses the placement nearest the transcript's 3' end. VCF-style (leftmost placement, unchanged base first): chr12-48142875-ATGGCTGGAC-A. GRCh37 (hg19) VCF-style: chr12-48536658-ATGGCTGGAC-A.
Other names: c.1965_1973del, p.Gly656_Ala658del (NM_001166686.2, NM_001354737.1, NM_001354738.1 and 1 more transcripts); c.1752_1760del, p.Gly585_Ala587del (NM_001166687.2, NM_001166688.2, NM_001354742.2 and 2 more transcripts); c.2061_2069del, p.Gly688_Ala690del (NM_001354735.1, NM_001354736.1); c.1896_1904del, p.Gly633_Ala635del (NM_001354740.1); c.1776_1784del, p.Gly593_Ala595del (NM_001354741.2); c.1665_1673del, p.Gly556_Ala558del (NM_001354745.2); c.1626_1634del, p.Gly543_Ala545del (NM_001354746.2); c.1602_1610del, p.Gly535_Ala537del (NM_001354747.2, NM_001354748.2); and 1 more.
Identifiers: ClinVar variation 3767096 (VCV003767096.2).

ClinVar aggregate classification (germline): Uncertain significance (1 of 4 stars; one submission).

Conditions:
Glycogen storage disease, type VII (GSD7). Also called: PFKM DEFICIENCY; TARUI DISEASE; GSD VII; MUSCLE PHOSPHOFRUCTOKINASE DEFICIENCY. Identifiers: Orphanet 371, MedGen C0017926, MONDO:0009295, OMIM 232800.

Submission:

Juno Genomics, Hangzhou Juno Genomics, Inc
Classification: Uncertain significance for Glycogen storage disease, type VII. Review status: criteria provided, single submitter. Criteria: ACMG Guidelines, 2015. Collection method: clinical testing. Allele origin: germline. Affected: yes.
Comment: Absent from controls (or at extremely low frequency if recessive) in Genome Aggregation Database, Exome Sequencing Project, 1000 Genomes Project, or Exome Aggregation Consortium.;Protein length changes due to in-frame deletions/insertions in a non-repeat region or stop-loss variants.;For recessive disorders, detected in trans with a pathogenic variant.